The following is an entry in ClinVar:

ClinVar aggregate classification (germline): Pathogenic (1 of 4 stars; one submission).

Conditions:
Joubert syndrome. Also called: CEREBELLOPARENCHYMAL DISORDER IV; JOUBERT-BOLTSHAUSER SYNDROME; Familial aplasia of the vermis. Identifiers: Orphanet 475, MedGen C5979921, MONDO:0018772.
Meckel-Gruber syndrome. Also called: DYSENCEPHALIA SPLANCHNOCYSTICA; GRUBER SYNDROME; Dysencephalia splachnocystica. Identifiers: Orphanet 564, MedGen C0265215, MONDO:0018921.

Submission:

Labcorp Genetics (formerly Invitae), Labcorp
Classification: Pathogenic for Joubert syndrome; Meckel-Gruber syndrome. Last evaluated: 2022-02-08. Review status: criteria provided, single submitter. Criteria: Invitae Variant Classification Sherloc (09022015). Collection method: clinical testing. Allele origin: germline.
Comment: For these reasons, this variant has been classified as Pathogenic. This variant has not been reported in the literature in individuals affected with RPGRIP1L-related conditions. This variant is not present in population databases (gnomAD no frequency). This sequence change creates a premature translational stop signal (p.Leu668*) in the RPGRIP1L gene. It is expected to result in an absent or disrupted protein product. Loss-of-function variants in RPGRIP1L are known to be pathogenic (PMID: 17558409).

Literature cited by the submitters: PubMed 17558409.

NM_015272.5(RPGRIP1L):c.2003T>A (p.Leu668Ter)

Gene: RPGRIP1L (RPGRIP1 like; minus strand). Cytogenetic location: 16q12.2.
Variant type: single nucleotide variant.
Coding change: c.2003T>A on transcript NM_015272.5 (MANE Select); coding-DNA position 2003, T replaced by A.
Protein change: p.Leu668Ter; replaces leucine 668 with a stop codon.
Molecular consequence: nonsense.
Genome position (GRCh38, 1-based): chr16:53,652,684, A>T on the plus strand (T>A on the coding strand, the complement: RPGRIP1L is on the minus strand). VCF-style: chr16-53652684-A-T. GRCh37 (hg19) VCF-style: chr16-53686596-A-T.
Other names: c.2003T>A, p.Leu668Ter (NM_001127897.4, NM_001308334.3, NM_001330538.2); short protein forms L668*.
Identifiers: ClinVar variation 2094554 (VCV002094554.4), dbSNP rs2544205707, ClinGen allele CA395916864.